The following is an entry in ClinVar:

NM_006576.4(AVIL):c.1999G>A (p.Glu667Lys)

Genes: AVIL (advillin; minus strand), TSFM (Ts translation elongation factor, mitochondrial; plus strand). Cytogenetic location: 12q14.1.
Variant type: single nucleotide variant.
Coding change: c.1999G>A on transcript NM_006576.4 (MANE Select); coding-DNA position 1999, G replaced by A.
Protein change: p.Glu667Lys; replaces glutamic acid 667 with lysine.
Molecular consequence: missense variant. On other transcripts: intron variant (1).
Genome position (GRCh38, 1-based): chr12:57,802,312, C>T on the plus strand (G>A on the coding strand, the complement: AVIL is on the minus strand). VCF-style: chr12-57802312-C-T. GRCh37 (hg19) VCF-style: chr12-58196095-C-T.
Other names: c.572-243C>T (NM_001172697.2); short protein forms E667K.
Identifiers: ClinVar variation 3054530 (VCV003054530.2), dbSNP rs139933127, ClinGen allele CA6659622.

ClinVar aggregate classification (germline): Uncertain significance (0 of 4 stars; one submission).

Conditions:
AVIL-related disorder. Also called: AVIL-related condition.

Allele frequency attached by ClinVar (database versions not stated): 1000 Genomes Project 30x 0.00016; gnomAD 0.00022; ESP Exome Variant Server 0.00023; 1000 Genomes Project 0.00020.
gnomAD v4.1: 342 of 1,613,778 alleles (0.021%); highest among the groups gnomAD compares: Admixed American, 0.035%; 1 homozygote.

Submission:

PreventionGenetics, part of Exact Sciences
Classification: Uncertain significance for AVIL-related condition. Last evaluated: 2024-02-19. Review status: no assertion criteria provided. Collection method: clinical testing. Allele origin: germline.
Comment: The AVIL c.1999G>A variant is predicted to result in the amino acid substitution p.Glu667Lys. To our knowledge, this variant has not been reported in the literature. This variant is reported in 0.031% of alleles in individuals of Latino descent in gnomAD. At this time, the clinical significance of this variant is uncertain due to the absence of conclusive functional and genetic evidence.